The following is an entry in ClinVar:

ClinVar aggregate classification (germline): Pathogenic (1 of 4 stars; one submission).

Conditions:
Hereditary cancer-predisposing syndrome. Also called: Hereditary Cancer Syndrome; Neoplastic Syndromes, Hereditary; Tumor predisposition; Hereditary neoplastic syndrome. Identifiers: Orphanet 140162, MedGen C0027672, MeSH D009386, MONDO:0015356.

Submission:

Ambry Genetics
Classification: Pathogenic for Hereditary cancer-predisposing syndrome. Last evaluated: 2016-05-24. Review status: criteria provided, single submitter. Criteria: Ambry Variant Classification Scheme 2023. Collection method: clinical testing. Allele origin: germline.
Comment: The c.211delA pathogenic mutation, located in coding exon 3 of the MRE11A gene, results from a deletion of one nucleotide at position 211, causing a translational frameshift with a predicted alternate stop codon. Since frameshifts are typically deleterious in nature, this alteration is interpreted as a disease-causing mutation (ACMG Recommendations for Standards for Interpretation and Reporting of Sequence Variations. Revision 2007. Genet Med. 2008;10:294).

NM_005591.4(MRE11):c.211del (p.Thr71fs)

Gene: MRE11 (MRE11 double strand break repair nuclease; minus strand). Cytogenetic location: 11q21.
Variant type: Deletion.
Coding change: c.211del on transcript NM_005591.4 (MANE Select); coding-DNA position 211, one base deleted (A; older notation c.211delA).
Protein change: p.Thr71fs; shifts the reading frame from threonine 71.
Molecular consequence: frameshift variant.
Genome position (GRCh38, 1-based): chr11:94,486,027, T deleted on the plus strand (A on the coding strand, the reverse complement: MRE11 is on the minus strand); the first of 4 consecutive T bases (chr11:94,486,027-94,486,030); deleting any one gives the same sequence. VCF-style (leftmost placement, unchanged base first): chr11-94486026-GT-G. GRCh37 (hg19) VCF-style: chr11-94219192-GT-G.
Other names: c.211del, p.Thr71fs (NM_001330347.2, NM_005590.4); c.211delA (NM_005591.3); short protein forms T71fs.
Identifiers: ClinVar variation 479745 (VCV000479745.5), dbSNP rs1555017238, ClinGen allele CA658658090.